The following is an entry in ClinVar:

NM_018975.4(TERF2IP):c.427G>T (p.Ala143Ser)

Gene: TERF2IP (TERF2 interacting protein; plus strand). Cytogenetic location: 16q23.1.
Variant type: single nucleotide variant.
Coding change: c.427G>T on transcript NM_018975.4 (MANE Select); coding-DNA position 427, G replaced by T.
Protein change: p.Ala143Ser; replaces alanine 143 with serine.
Molecular consequence: missense variant. On other transcripts: non-coding transcript variant (1).
Genome position (GRCh38, 1-based): chr16:75,648,309, G>T. VCF-style: chr16-75648309-G-T. GRCh37 (hg19) VCF-style: chr16-75682207-G-T.
Other names: short protein forms A143S.
Identifiers: ClinVar variation 1739341 (VCV001739341.2), dbSNP rs749387130, ClinGen allele CA8177989.
Genomic context (GRCh38, chr16:75,648,309, plus strand): 5'-GCGGAGCCGGAGCCGCAGCGGCACGCCGGGCGGATCGCCTTCACGGATGCGGACGACGTA[G>T]CCATCCTTACCTACGTGAAGGAAAATGCCCGCTCGCCCAGCTCCGTCACCGGTAACGCCT-3'
Protein context (NP_061848.2, residues 133-153): RIAFTDADDV[Ala143Ser]ILTYVKENAR

ClinVar aggregate classification (germline): Uncertain significance (1 of 4 stars; one submission).

Submission:

Ambry Genetics
Classification: Uncertain significance. Last evaluated: 2022-08-19. Review status: criteria provided, single submitter. Criteria: Ambry Variant Classification Scheme 2023. Collection method: clinical testing. Allele origin: germline.
Comment: The p.A143S variant (also known as c.427G>T), located in coding exon 1 of the TERF2IP gene, results from a G to T substitution at nucleotide position 427. The alanine at codon 143 is replaced by serine, an amino acid with similar properties. This amino acid position is conserved. In addition, this alteration is predicted to be tolerated by in silico analysis. Since supporting evidence is limited at this time, the clinical significance of this alteration remains unclear.